The following is an entry in ClinVar:

ClinVar aggregate classification (germline): Uncertain significance (1 of 4 stars; one submission).

Conditions:
Complex neurodevelopmental disorder. Identifiers: Orphanet 528084, MedGen C5568766, MONDO:0100038.

Submission:

Dasa
Classification: Uncertain significance for Complex neurodevelopmental disorder. Last evaluated: 2026-03-13. Review status: criteria provided, single submitter. Criteria: DASA Assertion Criteria. Collection method: clinical testing. Allele origin: germline.
Comment: NM_015559.3(SETBP1):c.2T>C (p.Met1?) is a start-loss variant predicted to alter the translation initiation codon and impair normal protein translation. This variant is rare in population databases. The currently available literature and clinical evidence are not sufficient to establish a definitive association between this variant and the reported condition. Therefore, this variant is classified as a variant of uncertain significance.

NM_015559.3(SETBP1):c.2T>C (p.Met1Thr)

Gene: SETBP1 (SET binding protein 1; plus strand). Cytogenetic location: 18q12.3.
Variant type: single nucleotide variant.
Coding change: c.2T>C on transcript NM_015559.3 (MANE Select); coding-DNA position 2, T replaced by C.
Protein change: p.Met1Thr; changes the start codon (methionine 1).
Molecular consequence: missense variant, initiator codon variant.
Genome position (GRCh38, 1-based): chr18:44,701,348, T>C. VCF-style: chr18-44701348-T-C. GRCh37 (hg19) VCF-style: chr18-42281313-T-C.
Other names: c.2T>C, p.Met1Thr (NM_001130110.2, NM_001379141.1, NM_001379142.1 and 1 more transcripts); short protein forms M1T.
Identifiers: ClinVar variation 4883514 (VCV004883514.2).
Genomic context (GRCh38, chr18:44,701,348, plus strand): 5'-TCCCTTTTCCCTTTTCCCCTTCCCCCTCCTGAGAACTCCGGAAGACTGTAGAGATTGTCA[T>C]GGAGTCCAGGGAAACCTTAAGCAGCTCCCGGCAAAGAGGGGGCGAGTCAGACTTCCTGCC-3'
Protein context (NP_056374.2, residues 1-11): [Met1Thr]ESRETLSSSR